The following is an entry in ClinVar:

NM_002180.3(IGHMBP2):c.2097G>T (p.Gly699=)

Gene: IGHMBP2 (immunoglobulin mu DNA binding protein 2; plus strand). Cytogenetic location: 11q13.3.
Variant type: single nucleotide variant.
Coding change: c.2097G>T on transcript NM_002180.3 (MANE Select); coding-DNA position 2097, G replaced by T.
Protein change: p.Gly699=; no amino-acid change (glycine 699 retained).
Molecular consequence: synonymous variant.
Genome position (GRCh38, 1-based): chr11:68,936,577, G>T. VCF-style: chr11-68936577-G-T. GRCh37 (hg19) VCF-style: chr11-68704045-G-T.
Identifiers: ClinVar variation 649410 (VCV000649410.5), dbSNP rs372382180, ClinGen allele CA6153839.

ClinVar aggregate classification (germline): Uncertain significance (1 of 4 stars; one submission).

Conditions:
Autosomal recessive distal spinal muscular atrophy 1. Also called: SEVERE INFANTILE AXONAL NEUROPATHY WITH RESPIRATORY FAILURE; SPINAL MUSCULAR ATROPHY, DIAPHRAGMATIC; NEURONOPATHY, SEVERE INFANTILE AXONAL, WITH RESPIRATORY FAILURE; Spinal muscular atrophy with respiratory distress 1; NEURONOPATHY, DISTAL HEREDITARY MOTOR, HARDING TYPE VI; NEUROPATHY, DISTAL HEREDITARY MOTOR, AUTOSOMAL RECESSIVE 1. Identifiers: Orphanet 98920, MedGen C1858517, MONDO:0011436, OMIM 604320.
Charcot-Marie-Tooth disease axonal type 2S. Also called: CHARCOT-MARIE-TOOTH NEUROPATHY, TYPE 2S; CHARCOT-MARIE-TOOTH DISEASE, AXONAL, AUTOSOMAL RECESSIVE, TYPE 2S. Identifiers: Orphanet 443073, MedGen C4015349, MONDO:0014511, OMIM 616155.

Allele frequency attached by ClinVar (database versions not stated): ExAC 0.00001; gnomAD 0.00001; gnomAD exomes 0.00002; TOPMed 0.00003; ESP Exome Variant Server 0.00008.
gnomAD v4.1: 67 of 1,611,862 alleles (0.0042%); highest among the groups gnomAD compares: Non-Finnish European, 0.0056%; no homozygotes.

Submission:

Labcorp Genetics (formerly Invitae), Labcorp
Classification: Uncertain significance for Autosomal recessive distal spinal muscular atrophy 1; Charcot-Marie-Tooth disease axonal type 2S. Last evaluated: 2023-12-30. Review status: criteria provided, single submitter. Criteria: Invitae Variant Classification Sherloc (09022015). Collection method: clinical testing. Allele origin: germline.
Comment: This sequence change affects codon 699 of the IGHMBP2 mRNA. It is a 'silent' change, meaning that it does not change the encoded amino acid sequence of the IGHMBP2 protein. This variant is present in population databases (rs372382180, gnomAD 0.004%). This variant has not been reported in the literature in individuals affected with IGHMBP2-related conditions. ClinVar contains an entry for this variant (Variation ID: 649410). Algorithms developed to predict the effect of sequence changes on RNA splicing suggest that this variant may create or strengthen a splice site. In summary, the available evidence is currently insufficient to determine the role of this variant in disease. Therefore, it has been classified as a Variant of Uncertain Significance.